The following is an entry in ClinVar:

NM_001379081.2(FREM1):c.234+1G>T

Gene: FREM1 (FRAS1 related extracellular matrix 1; minus strand). Cytogenetic location: 9p22.3.
Variant type: single nucleotide variant.
Coding change: c.234+1G>T on transcript NM_001379081.2 (MANE Select); the canonical splice donor site of the intron after coding-DNA position 234, G replaced by T.
Molecular consequence: splice donor variant.
Genome position (GRCh38, 1-based): chr9:14,868,743, C>A on the plus strand (G>T on the coding strand, the complement: FREM1 is on the minus strand). VCF-style: chr9-14868743-C-A. GRCh37 (hg19) VCF-style: chr9-14868741-C-A.
Other names: c.234+1G>T (NM_144966.7, NM_001370065.1, NM_001370063.1 and 1 more transcripts).
Identifiers: ClinVar variation 2015962 (VCV002015962.4), dbSNP rs1188199694, ClinGen allele CA372965409.

ClinVar aggregate classification (germline): Likely pathogenic (1 of 4 stars; one submission).

Submission:

Labcorp Genetics (formerly Invitae), Labcorp
Classification: Likely pathogenic. Last evaluated: 2022-07-14. Review status: criteria provided, single submitter. Criteria: Invitae Variant Classification Sherloc (09022015). Collection method: clinical testing. Allele origin: germline.
Comment: Algorithms developed to predict the effect of sequence changes on RNA splicing suggest that this variant may disrupt the consensus splice site. This variant has not been reported in the literature in individuals affected with FREM1-related conditions. This variant is not present in population databases (gnomAD no frequency). This sequence change affects a donor splice site in intron 3 of the FREM1 gene. It is expected to disrupt RNA splicing. Variants that disrupt the donor or acceptor splice site typically lead to a loss of protein function (PMID: 16199547), and loss-of-function variants in FREM1 are known to be pathogenic (PMID: 19732862, 21507892). In summary, the currently available evidence indicates that the variant is pathogenic, but additional data are needed to prove that conclusively. Therefore, this variant has been classified as Likely Pathogenic.

Literature cited by the submitters: PubMed 16199547; PubMed 19732862; PubMed 21507892.